The following is an entry in ClinVar:

NM_014003.4(DHX38):c.923C>T (p.Thr308Met)

Gene: DHX38 (DEAH-box helicase 38; plus strand). Cytogenetic location: 16q22.2.
Variant type: single nucleotide variant.
Coding change: c.923C>T on transcript NM_014003.4 (MANE Select); coding-DNA position 923, C replaced by T.
Protein change: p.Thr308Met; replaces threonine 308 with methionine.
Molecular consequence: missense variant.
Genome position (GRCh38, 1-based): chr16:72,099,243, C>T. VCF-style: chr16-72099243-C-T. GRCh37 (hg19) VCF-style: chr16-72133142-C-T.
Other names: short protein forms T308M.
Identifiers: ClinVar variation 840809 (VCV000840809.9), dbSNP rs61749038, ClinGen allele CA8160134.

ClinVar aggregate classification (germline): Conflicting classifications of pathogenicity. Review status: criteria provided, conflicting classifications (1 of 4 stars). 4 submissions from 4 submitters: Uncertain significance (3); Likely benign (1). Last evaluated 2024-11-22.

Conditions:
Retinitis pigmentosa 84 (RP84). Identifiers: MedGen C4748725, MONDO:0032604, OMIM 618220.

Allele frequency attached by ClinVar (database versions not stated): 1000 Genomes Project 30x 0.00016; 1000 Genomes Project 0.00020; ExAC 0.00042; gnomAD exomes 0.00043 and 0.00074; TOPMed 0.00049; gnomAD 0.00051 and 0.00053; ESP Exome Variant Server 0.00069.
gnomAD v4.1: 1,144 of 1,612,704 alleles (0.071%); highest among the groups gnomAD compares: Non-Finnish European, 0.09%; no homozygotes.

Submissions (4):

Blueprint Genetics
Classification: Likely benign. Last evaluated: 2024-11-22. Review status: criteria provided, single submitter. Criteria: ACMG Guidelines, 2015. Collection method: clinical testing. Allele origin: germline.

Ambry Genetics
Classification: Uncertain significance. Last evaluated: 2024-10-18. Review status: criteria provided, single submitter. Criteria: Ambry Variant Classification Scheme 2023. Collection method: clinical testing. Allele origin: germline.

Labcorp Genetics (formerly Invitae), Labcorp
Classification: Uncertain significance. Last evaluated: 2022-10-05. Review status: criteria provided, single submitter. Criteria: Invitae Variant Classification Sherloc (09022015). Collection method: clinical testing. Allele origin: germline.
Comment: This sequence change replaces threonine, which is neutral and polar, with methionine, which is neutral and non-polar, at codon 308 of the DHX38 protein (p.Thr308Met). This variant is present in population databases (rs61749038, gnomAD 0.08%), and has an allele count higher than expected for a pathogenic variant. This variant has not been reported in the literature in individuals affected with DHX38-related conditions. ClinVar contains an entry for this variant (Variation ID: 840809). Advanced modeling of protein sequence and biophysical properties (such as structural, functional, and spatial information, amino acid conservation, physicochemical variation, residue mobility, and thermodynamic stability) performed at Invitae indicates that this missense variant is not expected to disrupt DHX38 protein function. In summary, the available evidence is currently insufficient to determine the role of this variant in disease. Therefore, it has been classified as a Variant of Uncertain Significance.

Fulgent Genetics
Classification: Uncertain significance for Retinitis pigmentosa 84. Last evaluated: 2022-01-11. Review status: criteria provided, single submitter. Criteria: ACMG Guidelines, 2015. Collection method: clinical testing. Allele origin: unknown.